The following is an entry in ClinVar:

ClinVar aggregate classification (germline): Uncertain significance (1 of 4 stars; one submission).

gnomAD v4.1: 1 of 1,613,312 alleles (0.000062%); highest among the groups gnomAD compares: Non-Finnish European, 0.000085%; no homozygotes.

Submission:

GeneDx
Classification: Uncertain significance. Last evaluated: 2024-03-16. Review status: criteria provided, single submitter. Criteria: GeneDx Variant Classification Process June 2021. Collection method: clinical testing. Allele origin: germline. Affected: yes.
Comment: Not observed at significant frequency in large population cohorts (gnomAD); In silico analysis supports that this missense variant has a deleterious effect on protein structure/function; Has not been previously published as pathogenic or benign to our knowledge

NM_002055.5(GFAP):c.161T>A (p.Leu54Gln)

Gene: GFAP (glial fibrillary acidic protein; minus strand). Cytogenetic location: 17q21.31.
Variant type: single nucleotide variant.
Coding change: c.161T>A on transcript NM_002055.5 (MANE Select); coding-DNA position 161, T replaced by A.
Protein change: p.Leu54Gln; replaces leucine 54 with glutamine.
Molecular consequence: missense variant.
Genome position (GRCh38, 1-based): chr17:44,915,326, A>T on the plus strand (T>A on the coding strand, the complement: GFAP is on the minus strand). VCF-style: chr17-44915326-A-T. GRCh37 (hg19) VCF-style: chr17-42992694-A-T.
Other names: c.161T>A, p.Leu54Gln (NM_001131019.3, NM_001242376.3, NM_001363846.2); short protein forms L54Q.
Identifiers: ClinVar variation 3371101 (VCV003371101.1).